The following is an entry in ClinVar:

ClinVar aggregate classification (germline): Uncertain significance (1 of 4 stars; one submission).

Submission:

Mayo Clinic Laboratories, Mayo Clinic
Classification: Uncertain significance. Last evaluated: 2025-04-16. Review status: criteria provided, single submitter. Criteria: ACMG Guidelines, 2015. Collection method: clinical testing. Allele origin: germline. Observed: 1 variant allele.
Comment: PP3

Literature cited by the submitters: PubMed 26255038.

NM_000078.3(CETP):c.118+4_118+7del

Gene: CETP (cholesteryl ester transfer protein; plus strand). Cytogenetic location: 16q13.
Variant type: Deletion.
Coding change: c.118+4_118+7del on transcript NM_000078.3 (MANE Select); bases 4 to 7 of the intron after coding-DNA position 118, 4 bases deleted (AGTA; older notation c.118+4_118+7delAGTA).
Molecular consequence: splice donor variant.
Genome position (GRCh38, 1-based): chr16:56,962,101-56,962,104, AGTA deleted; deleting any 4 consecutive bases within chr16:56,962,098-56,962,104 gives the same sequence; the c. name uses the placement nearest the transcript's 3' end. VCF-style (leftmost placement, unchanged base first): chr16-56962097-TGTAA-T. GRCh37 (hg19) VCF-style: chr16-56996009-TGTAA-T.
Other names: c.118+4_118+7del (NM_001286085.2).
Identifiers: ClinVar variation 4542033 (VCV004542033.1).